The following is an entry in ClinVar:

NM_002241.5(KCNJ10):c.857C>G (p.Thr286Arg)

Gene: KCNJ10 (potassium inwardly rectifying channel subfamily J member 10; minus strand). Cytogenetic location: 1q23.2.
Variant type: single nucleotide variant.
Coding change: c.857C>G on transcript NM_002241.5 (MANE Select); coding-DNA position 857, C replaced by G.
Protein change: p.Thr286Arg; replaces threonine 286 with arginine.
Molecular consequence: missense variant.
Genome position (GRCh38, 1-based): chr1:160,041,676, G>C on the plus strand (C>G on the coding strand, the complement: KCNJ10 is on the minus strand). VCF-style: chr1-160041676-G-C. GRCh37 (hg19) VCF-style: chr1-160011466-G-C.
Other names: short protein forms T286R.
Identifiers: ClinVar variation 968911 (VCV000968911.7), dbSNP rs757920393, ClinGen allele CA343224396.

ClinVar aggregate classification (germline): Uncertain significance (1 of 4 stars; one submission).

Conditions:
EAST syndrome (SESAMES). Also called: SEIZURES, SENSORINEURAL DEAFNESS, ATAXIA, IMPAIRED INTELLECTUAL DEVELOPMENT, AND ELECTROLYTE IMBALANCE. Identifiers: Orphanet 199343, MedGen C2748572, MONDO:0013005, OMIM 612780.

gnomAD v4.1: 3 of 1,614,208 alleles (0.00019%); highest among the groups gnomAD compares: Admixed American, 0.005%; no homozygotes.

Submission:

Labcorp Genetics (formerly Invitae), Labcorp
Classification: Uncertain significance for EAST syndrome. Last evaluated: 2022-08-22. Review status: criteria provided, single submitter. Criteria: Invitae Variant Classification Sherloc (09022015). Collection method: clinical testing. Allele origin: germline.
Comment: This sequence change replaces threonine, which is neutral and polar, with arginine, which is basic and polar, at codon 286 of the KCNJ10 protein (p.Thr286Arg). This variant is present in population databases (no rsID available, gnomAD 0.006%). This variant has not been reported in the literature in individuals affected with KCNJ10-related conditions. ClinVar contains an entry for this variant (Variation ID: 968911). Algorithms developed to predict the effect of missense changes on protein structure and function are either unavailable or do not agree on the potential impact of this missense change (SIFT: "Deleterious"; PolyPhen-2: "Probably Damaging"; Align-GVGD: "Class C0"). In summary, the available evidence is currently insufficient to determine the role of this variant in disease. Therefore, it has been classified as a Variant of Uncertain Significance.